The following is an entry in ClinVar:

ClinVar aggregate classification (germline): Uncertain significance (1 of 4 stars; one submission).

Allele frequency attached by ClinVar (database versions not stated): gnomAD exomes 0.00001 and 0.00004; gnomAD 0.00002; ExAC 0.00003; TOPMed 0.00004.
gnomAD v4.1: 16 of 1,581,122 alleles (0.001%); highest among the groups gnomAD compares: Admixed American, 0.026%; no homozygotes.

Submission:

Labcorp Genetics (formerly Invitae), Labcorp
Classification: Uncertain significance. Last evaluated: 2022-08-23. Review status: criteria provided, single submitter. Criteria: Invitae Variant Classification Sherloc (09022015). Collection method: clinical testing. Allele origin: germline.
Comment: This sequence change replaces serine, which is neutral and polar, with phenylalanine, which is neutral and non-polar, at codon 314 of the TSFM protein (p.Ser314Phe). This variant is present in population databases (rs764426449, gnomAD 0.03%). This variant has not been reported in the literature in individuals affected with TSFM-related conditions. ClinVar contains an entry for this variant (Variation ID: 1485425). Algorithms developed to predict the effect of missense changes on protein structure and function are either unavailable or do not agree on the potential impact of this missense change (SIFT: "Deleterious"; PolyPhen-2: "Probably Damaging"; Align-GVGD: "Class C0"). In summary, the available evidence is currently insufficient to determine the role of this variant in disease. Therefore, it has been classified as a Variant of Uncertain Significance.

NM_005726.6(TSFM):c.878C>T (p.Ser293Phe)

Gene: TSFM (Ts translation elongation factor, mitochondrial; plus strand). Cytogenetic location: 12q14.1.
Variant type: single nucleotide variant.
Coding change: c.878C>T on transcript NM_005726.6 (MANE Select); coding-DNA position 878, C replaced by T.
Protein change: p.Ser293Phe; replaces serine 293 with phenylalanine.
Molecular consequence: missense variant. On other transcripts: 3 prime UTR variant (1), intron variant (1).
Genome position (GRCh38, 1-based): chr12:57,796,483, C>T. VCF-style: chr12-57796483-C-T. GRCh37 (hg19) VCF-style: chr12-58190266-C-T.
Other names: c.*286C>T (NM_001172695.2); c.941C>T, p.Ser314Phe (NM_001172696.2); c.571+3410C>T (NM_001172697.2); short protein forms S293F, S314F.
Identifiers: ClinVar variation 1485425 (VCV001485425.3), dbSNP rs764426449, ClinGen allele CA6659463.